The following is an entry in ClinVar:

ClinVar aggregate classification (germline): Uncertain significance (1 of 4 stars; one submission).

gnomAD v4.1: 90 of 1,534,046 alleles (0.0059%); highest among the groups gnomAD compares: South Asian, 0.08%; 1 homozygote.

Submission:

Ambry Genetics
Classification: Uncertain significance. Last evaluated: 2025-10-02. Review status: criteria provided, single submitter. Criteria: Ambry Variant Classification Scheme 2023. Collection method: clinical testing. Allele origin: germline.
Comment: The c.3919C>T (p.R1307W) alteration is located in exon 25 (coding exon 24) of the PITPNM2 gene. This alteration results from a C to T substitution at nucleotide position 3919, causing the arginine (R) at amino acid position 1307 to be replaced by a tryptophan (W). Based on data from gnomAD, the T allele has an overall frequency of 0.011% (14/130502) total alleles studied. The highest observed frequency was 0.06% (13/21854) of South Asian alleles. Based on insufficient or conflicting evidence, the clinical significance of this alteration remains unclear.

NM_020845.3(PITPNM2):c.3919C>T (p.Arg1307Trp)

Gene: PITPNM2 (phosphatidylinositol transfer protein membrane associated 2; minus strand). Cytogenetic location: 12q24.31.
Variant type: single nucleotide variant.
Coding change: c.3919C>T on transcript NM_020845.3 (MANE Select); coding-DNA position 3919, C replaced by T.
Protein change: p.Arg1307Trp; replaces arginine 1307 with tryptophan.
Molecular consequence: missense variant.
Genome position (GRCh38, 1-based): chr12:122,986,158, G>A on the plus strand (C>T on the coding strand, the complement: PITPNM2 is on the minus strand). VCF-style: chr12-122986158-G-A. GRCh37 (hg19) VCF-style: chr12-123470705-G-A.
Other names: c.3901C>T, p.Arg1301Trp (NM_001300801.2, NM_001384668.1); c.4096C>T, p.Arg1366Trp (NM_001384660.1); c.3757C>T, p.Arg1253Trp (NM_001384661.1, NM_001384663.1); c.3748C>T, p.Arg1250Trp (NM_001384662.1); c.3706C>T, p.Arg1236Trp (NM_001384664.1); short protein forms R1250W, R1236W, R1301W, R1307W, R1366W, R1253W.
Identifiers: ClinVar variation 4568158 (VCV004568158.1).
Genomic context (GRCh38, chr12:122,986,158, plus strand): 5'-CACTCATGCTGCGCTGGCCCCGCTGCTCGCCATCCGCCTGGCTCTGTGTCCGCTCGTGCC[G>A]GTGGCTGGGCCCGCTGGGCTGGGCCGAGATGGTGCGAAGCAGGTGGTTCCGGGAGCGCAG-3'
Protein context (NP_065896.1, residues 1297-1317): ISAQPSGPSH[Arg1307Trp]HERTQSQADG